The following is an entry in ClinVar:

ClinVar aggregate classification (germline): Likely pathogenic (1 of 4 stars; one submission).

gnomAD v4.1: 1 of 1,613,856 alleles (0.000062%); no homozygotes.

Submission:

Labcorp Genetics (formerly Invitae), Labcorp
Classification: Likely pathogenic. Last evaluated: 2023-04-27. Review status: criteria provided, single submitter. Criteria: Invitae Variant Classification Sherloc (09022015). Collection method: clinical testing. Allele origin: germline.
Comment: Algorithms developed to predict the effect of sequence changes on RNA splicing suggest that this variant may disrupt the consensus splice site. In summary, the currently available evidence indicates that the variant is pathogenic, but additional data are needed to prove that conclusively. Therefore, this variant has been classified as Likely Pathogenic. This variant has not been reported in the literature in individuals affected with MECR-related conditions. This variant is not present in population databases (gnomAD no frequency). This sequence change affects an acceptor splice site in intron 5 of the MECR gene. It is expected to disrupt RNA splicing. Variants that disrupt the donor or acceptor splice site typically lead to a loss of protein function (PMID: 16199547), and loss-of-function variants in MECR are known to be pathogenic (PMID: 27817865).

Literature cited by the submitters: PubMed 16199547; PubMed 27817865.

NM_016011.5(MECR):c.654-1G>T

Gene: MECR (mitochondrial trans-2-enoyl-CoA reductase; minus strand). Cytogenetic location: 1p35.3.
Variant type: single nucleotide variant.
Coding change: c.654-1G>T on transcript NM_016011.5 (MANE Select); the canonical splice acceptor site of the intron before coding-DNA position 654, G replaced by T.
Molecular consequence: splice acceptor variant.
Genome position (GRCh38, 1-based): chr1:29,202,046, C>A on the plus strand (G>T on the coding strand, the complement: MECR is on the minus strand). VCF-style: chr1-29202046-C-A. GRCh37 (hg19) VCF-style: chr1-29528558-C-A.
Other names: c.504-1G>T (NM_001349717.2); c.426-1G>T (NM_001024732.4, NM_001349714.2, NM_001349712.2 and 2 more transcripts); c.738-1G>T (NM_001349716.2); c.759-1G>T (NM_001349715.2).
Identifiers: ClinVar variation 2859873 (VCV002859873.3), dbSNP rs1464020122, ClinGen allele CA339541878.